The following is an entry in ClinVar:

ClinVar aggregate classification (germline): Uncertain significance (1 of 4 stars; one submission).

Conditions:
Brugada syndrome 5 (BRGDA5). Identifiers: Orphanet 130, Orphanet 871, MedGen C2748541, MONDO:0013015, OMIM 612838.

Submission:

Labcorp Genetics (formerly Invitae), Labcorp
Classification: Uncertain significance for Brugada syndrome 5. Last evaluated: 2024-09-10. Review status: criteria provided, single submitter. Criteria: Invitae Variant Classification Sherloc (09022015). Collection method: clinical testing. Allele origin: germline.
Comment: The SCN1B gene has multiple clinically relevant transcripts. This variant occurs in alternate transcript NM_001037.5, and corresponds to NM_199037.3:c.*5539C>A in the primary transcript. This sequence change creates a premature translational stop signal (p.Ser198*) in the SCN1B gene. While this is not anticipated to result in nonsense mediated decay, it is expected to disrupt the last 21 amino acid(s) of the SCN1B protein. This variant is not present in population databases (gnomAD no frequency). This variant has not been reported in the literature in individuals affected with SCN1B-related conditions. Experimental studies and prediction algorithms are not available or were not evaluated, and the functional significance of this variant is currently unknown. In summary, the available evidence is currently insufficient to determine the role of this variant in disease. Therefore, it has been classified as a Variant of Uncertain Significance.

NM_001037.5(SCN1B):c.593C>A (p.Ser198Ter)

Gene: SCN1B (sodium voltage-gated channel beta subunit 1; plus strand). Cytogenetic location: 19q13.11.
Variant type: single nucleotide variant.
Coding change: c.593C>A on transcript NM_001037.5 (MANE Select); coding-DNA position 593, C replaced by A.
Protein change: p.Ser198Ter; replaces serine 198 with a stop codon.
Molecular consequence: nonsense.
Genome position (GRCh38, 1-based): chr19:35,039,637, C>A. VCF-style: chr19-35039637-C-A. GRCh37 (hg19) VCF-style: chr19-35530541-C-A.
Other names: c.494C>A, p.Ser165Ter (NM_001321605.2); short protein forms S165*, S198*.
Identifiers: ClinVar variation 3670068 (VCV003670068.2).
Genomic context (GRCh38, chr19:35,039,637, plus strand): 5'-CCGGGGGTTGGGTCGGTCTGATGATGGGGTCACTGTATACCTGGCCTTTCCCCCACAGCT[C>A]GGAATACCTGGCCATCACCTCTGAAAGCAAAGAGAACTGCACGGGCGTCCAGGTGGCCGA-3'